The following is an entry in ClinVar:

ClinVar aggregate classification (germline): Uncertain significance (1 of 4 stars; one submission).

Allele frequency attached by ClinVar (database versions not stated): gnomAD exomes below 0.00001; TOPMed below 0.00001.
gnomAD v4.1: 1 of 1,613,254 alleles (0.000062%); highest among the groups gnomAD compares: Non-Finnish European, 0.000085%; no homozygotes.

Submission:

Labcorp Genetics (formerly Invitae), Labcorp
Classification: Uncertain significance. Last evaluated: 2020-02-03. Review status: criteria provided, single submitter. Criteria: Invitae Variant Classification Sherloc (09022015). Collection method: clinical testing. Allele origin: germline.
Comment: This sequence change replaces lysine with asparagine at codon 1862 of the MYO7A protein (p.Lys1862Asn). The lysine residue is highly conserved and there is a moderate physicochemical difference between lysine and asparagine. In summary, the available evidence is currently insufficient to determine the role of this variant in disease. Therefore, it has been classified as a Variant of Uncertain Significance. Algorithms developed to predict the effect of missense changes on protein structure and function are either unavailable or do not agree on the potential impact of this missense change (SIFT: "Tolerated"; PolyPhen-2: "Benign"; Align-GVGD: "Class C0"). This variant has not been reported in the literature in individuals with MYO7A-related conditions. This variant is not present in population databases (ExAC no frequency).

NM_000260.4(MYO7A):c.5586G>T (p.Lys1862Asn)

Gene: MYO7A (myosin VIIA; plus strand). Cytogenetic location: 11q13.5.
Variant type: single nucleotide variant.
Coding change: c.5586G>T on transcript NM_000260.4 (MANE Select); coding-DNA position 5586, G replaced by T.
Protein change: p.Lys1862Asn; replaces lysine 1862 with asparagine.
Molecular consequence: missense variant.
Genome position (GRCh38, 1-based): chr11:77,205,567, G>T. VCF-style: chr11-77205567-G-T. GRCh37 (hg19) VCF-style: chr11-76916612-G-T.
Other names: c.5472G>T, p.Lys1824Asn (NM_001127180.2); c.5439G>T, p.Lys1813Asn (NM_001369365.1); short protein forms K1824N, K1862N, K1813N.
Identifiers: ClinVar variation 1041871 (VCV001041871.8), dbSNP rs1957391411, ClinGen allele CA381953053.